The following is an entry in ClinVar:

NC_000001.10:g.(?_3102669)_(3103058_?)dup

Gene: PRDM16 (PR/SET domain 16; plus strand). Cytogenetic location: 1p36.32.
Variant type: Duplication.
Identifiers: ClinVar variation 1448924 (VCV001448924.4).

ClinVar aggregate classification (germline): Uncertain significance (1 of 4 stars; one submission).

Conditions:
Left ventricular noncompaction 8 (LVNC8). Identifiers: Orphanet 154, Orphanet 54260, MedGen C3809288, MONDO:0014152, OMIM 615373.

Submission:

Labcorp Genetics (formerly Invitae), Labcorp
Classification: Uncertain significance for Left ventricular noncompaction 8. Last evaluated: 2023-01-17. Review status: criteria provided, single submitter. Criteria: Invitae Variant Classification Sherloc (09022015). Collection method: clinical testing. Allele origin: germline.
Comment: In summary, the available evidence is currently insufficient to determine the role of this variant in disease. Therefore, it has been classified as a Variant of Uncertain Significance. This variant has not been reported in the literature in individuals affected with PRDM16-related conditions. This variant results in a copy number gain of the genomic region encompassing exon(s) 2 of the PRDM16 gene. While the exact position of this variant cannot be determined from the data, sub-genic copy number gains are generally in tandem (PMID: 25640679). This variant is predicted to be out-of-frame, and may result in an absent or disrupted protein product. However, the current clinical and genetic evidence is not sufficient to establish whether loss-of-function variants in PRDM16 cause disease.

Literature cited by the submitters: PubMed 25640679.